The following is an entry in ClinVar:

ClinVar aggregate classification (germline): Pathogenic/Likely pathogenic. Review status: criteria provided, multiple submitters, no conflicts (2 of 4 stars). 3 submissions from 3 submitters: Pathogenic (2); Likely pathogenic (1). Last evaluated 2025-11-26.

Conditions:
3 beta-Hydroxysteroid dehydrogenase deficiency. Also called: 3b-hydroxysteroid dehydrogenase deficiency; Congenital adrenal hyperplasia due to 3-beta-hydroxysteroid dehydrogenase deficiency; 3-BETA-HSD DEFICIENCY; ADRENAL HYPERPLASIA II; ADRENAL HYPERPLASIA, CONGENITAL, DUE TO 3-BETA-HYDROXYSTEROID DEHYDROGENASE 2 DEFICIENCY. Identifiers: Orphanet 90791, MedGen C0342471, MeSH C538236, MONDO:0008727, OMIM 201810. Disease mechanism: loss of function.

Submissions (3):

Natera, Inc.
Classification: Likely pathogenic for 3 beta hydroxysteroid dehydrogenase deficiency. Last evaluated: 2025-11-26. Review status: criteria provided, single submitter. Criteria: Natera Variant Classification Schema (03/2026). Collection method: clinical testing. Allele origin: germline.
Comment: The c.65dupT variant in HSD3B2 is a frameshift variant predicted to shift the reading frame beginning at codon 22 and leads to a stop codon 27 codons downstream. This variant is expected to result in nonsense mediated decay, truncation, or a dysfunctional protein product. This variant is rare in the general population with a frequency below the threshold expected for the associated phenotype(s). Given the available evidence, this variant is classified as Likely Pathogenic.

Labcorp Genetics (formerly Invitae), Labcorp
Classification: Pathogenic. Last evaluated: 2024-03-14. Review status: criteria provided, single submitter. Criteria: Invitae Variant Classification Sherloc (09022015). Collection method: clinical testing. Allele origin: germline.
Comment: This sequence change creates a premature translational stop signal (p.Leu22Phefs*27) in the HSD3B2 gene. It is expected to result in an absent or disrupted protein product. Loss-of-function variants in HSD3B2 are known to be pathogenic (PMID: 11196452). This variant is present in population databases (no rsID available, gnomAD 0.01%). This variant has not been reported in the literature in individuals affected with HSD3B2-related conditions. ClinVar contains an entry for this variant (Variation ID: 1451900). For these reasons, this variant has been classified as Pathogenic.

Clinical Biochemistry Laboratory, Health Services Laboratory
Classification: Pathogenic for 3 beta-Hydroxysteroid dehydrogenase deficiency. Last evaluated: 2023-11-20. Review status: criteria provided, single submitter. Criteria: ACMG Guidelines, 2015. Collection method: clinical testing. Allele origin: germline. Affected: yes.
Comment: ACMG:PVS1 PM2 PP3 PP4

Literature cited by the submitters: PubMed 11196452 (cited by Labcorp Genetics (formerly Invitae), Labcorp).

NM_000198.4(HSD3B2):c.65dup (p.Leu22fs)

Genes: HSD3B2 (hydroxy-delta-5-steroid dehydrogenase, 3 beta- and steroid delta-isomerase 2; plus strand), LOC109029530 (HSD3B2 5' regulatory region; plus strand). Cytogenetic location: 1p12.
Variant type: Duplication.
Coding change: c.65dup on transcript NM_000198.4 (MANE Select); coding-DNA position 65, one base duplicated (T; older notation c.65dupT).
Protein change: p.Leu22fs; shifts the reading frame from leucine 22.
Molecular consequence: frameshift variant.
Genome position (GRCh38, 1-based): chr1:119,415,484, T duplicated; the last of 2 consecutive T bases (chr1:119,415,483-119,415,484); duplicating either gives the same sequence. VCF-style (leftmost placement, unchanged base first): chr1-119415482-G-GT. GRCh37 (hg19) VCF-style: chr1-119958105-G-GT.
Other names: c.65dupT (NM_001166120.1, NM_000198.3); c.65dup, p.Leu22fs (NM_001166120.2); short protein forms L22fs.
Identifiers: ClinVar variation 1451900 (VCV001451900.8), dbSNP rs1266831898, ClinGen allele CA341394120.
Genomic context (GRCh38, chr1:119,415,482, plus strand): 5'-GGGCTGGAGCTGCCTTGTGACAGGAGCAGGAGGGCTTCTGGGTCAGAGGATCGTCCGCCT[G>GT]TTGGTGGAAGAGAAGGAACTGAAGGAGATCAGGGCCTTGGACAAGGCCTTCAGACCAGAA-3'